The following is an entry in ClinVar:

ClinVar aggregate classification (germline): Uncertain significance (1 of 4 stars; one submission).

gnomAD v4.1: 7 of 1,578,844 alleles (0.00044%); highest among the groups gnomAD compares: Non-Finnish European, 0.0006%; no homozygotes.

Submission:

Labcorp Genetics (formerly Invitae), Labcorp
Classification: Uncertain significance. Last evaluated: 2025-03-05. Review status: criteria provided, single submitter. Criteria: Invitae Variant Classification Sherloc (09022015). Collection method: clinical testing. Allele origin: germline.
Comment: This sequence change affects codon 967 of the MAGEL2 mRNA. It is a 'silent' change, meaning that it does not change the encoded amino acid sequence of the MAGEL2 protein. This variant is not present in population databases (gnomAD no frequency). This variant has not been reported in the literature in individuals affected with MAGEL2-related conditions. Experimental studies and prediction algorithms are not available or were not evaluated, and the effect of this variant on mRNA splicing is currently unknown. In summary, the available evidence is currently insufficient to determine the role of this variant in disease. Therefore, it has been classified as a Variant of Uncertain Significance.

NM_019066.5(MAGEL2):c.2091C>T (p.Pro697=)

Gene: MAGEL2 (MAGE family member L2; minus strand). Cytogenetic location: 15q11.2.
Variant type: single nucleotide variant.
Coding change: c.2091C>T on transcript NM_019066.5 (MANE Select); coding-DNA position 2091, C replaced by T.
Protein change: p.Pro697=; no amino-acid change (proline 697 retained).
Molecular consequence: synonymous variant.
Genome position (GRCh38, 1-based): chr15:23,645,652, G>A on the plus strand (C>T on the coding strand, the complement: MAGEL2 is on the minus strand). VCF-style: chr15-23645652-G-A. GRCh37 (hg19) VCF-style: chr15-23890799-G-A.
Identifiers: ClinVar variation 4768458 (VCV004768458.1).